The following is an entry in ClinVar:

ClinVar aggregate classification (germline): Pathogenic/Likely pathogenic. Review status: criteria provided, multiple submitters, no conflicts (2 of 4 stars). 9 submissions from 9 submitters: Pathogenic (6); Likely pathogenic (1). 2 of the submissions do not count toward it. Last evaluated 2024-07-15.

Conditions:
EP300-related disorder. Also called: EP300-related disorders; EP300-related condition.
Rubinstein-Taybi syndrome due to EP300 haploinsufficiency. Also called: EP300-Related Rubinstein-Taybi Syndrome; RUBINSTEIN-TAYBI SYNDROME 2. Identifiers: Orphanet 353284, Orphanet 783, MedGen C3150941, MONDO:0013364, OMIM 613684.
Colorectal cancer. Also called: Malignant Colorectal Neoplasm; Colorectal cancer, somatic. Identifiers: MedGen C0346629, MONDO:0005575, OMIM 114500.
Menke-Hennekam syndrome 2 (MKHK2). Identifiers: MedGen C5193035, MONDO:0020769, OMIM 618333.
Rubinstein-Taybi syndrome due to CREBBP mutations (RSTS1). Also called: CREBBP-Related Rubinstein-Taybi Syndrome; RUBINSTEIN SYNDROME; Rubinstein-Taybi syndrome 1; BROAD THUMBS AND GREAT TOES, CHARACTERISTIC FACIES, AND IMPAIRED INTELLECTUAL DEVELOPMENT; RUBINSTEIN-TAYBI SYNDROME 1, INCOMPLETE; BROAD THUMB-HALLUX SYNDROME. Identifiers: Orphanet 353277, Orphanet 783, MedGen C4551859, MONDO:0008393, OMIM 180849.
Neurodevelopmental delay. Identifiers: MedGen C4022738, HP:0012758.

Submissions (9):

Dasa
Classification: Pathogenic. Last evaluated: 2024-07-15. Review status: criteria provided, single submitter. Criteria: DASA Assertion Criteria. Collection method: clinical testing. Allele origin: germline.
Comment: NM_001429.4(EP300):c.104_107del (p.Ser35Tyrfs*12) is a frameshift variant in EP300 predicted to alter the reading frame and introduce a premature termination codon and is predicted to result in an absent or altered protein product. Loss of function is an established disease mechanism for EP300 (PMID: 15706485; PMID: 19353645). This variant has been reported in individuals with EP300-related disorders. Also, this variant is rare in population databases. Based on the currently available evidence, this variant is classified as pathogenic.

Blueprint Genetics
Classification: Pathogenic for EP300-related disorders. Last evaluated: 2022-02-15. Review status: criteria provided, single submitter. Criteria: ACMG Guidelines, 2015. Collection method: clinical testing. Allele origin: germline. Affected: yes. Observed: 1 variant allele.

Fulgent Genetics
Classification: Pathogenic for Colorectal cancer; Rubinstein-Taybi syndrome due to CREBBP mutations; Rubinstein-Taybi syndrome due to EP300 haploinsufficiency; Menke-Hennekam syndrome 2. Last evaluated: 2021-11-29. Review status: criteria provided, single submitter. Criteria: ACMG Guidelines, 2015. Collection method: clinical testing. Allele origin: unknown.

Labcorp Genetics (formerly Invitae), Labcorp
Classification: Pathogenic for Rubinstein-Taybi syndrome due to EP300 haploinsufficiency. Last evaluated: 2020-09-06. Review status: criteria provided, single submitter. Criteria: Invitae Variant Classification Sherloc (09022015). Collection method: clinical testing. Allele origin: germline.
Comment: For these reasons, this variant has been classified as Pathogenic. Loss-of-function variants in EP300 are known to be pathogenic (PMID: 15706485, 24476420). This variant has been observed in individual(s) with Rubinstein-Taybi syndrome (PMID: 27648933, 27465822). ClinVar contains an entry for this variant (Variation ID: 137620). This variant is not present in population databases (ExAC no frequency). This sequence change creates a premature translational stop signal (p.Ser35Tyrfs*12) in the EP300 gene. It is expected to result in an absent or disrupted protein product.

GeneDx
Classification: Pathogenic. Last evaluated: 2020-05-20. Review status: criteria provided, single submitter. Criteria: GeneDx Variant Classification (06012015). Collection method: clinical testing. Allele origin: germline. Affected: yes.
Comment: Observed de novo without confirmed parentage in two patients with multiple anomalies, microcephaly, dysmorphic features, and global developmental delay (Woods et al., 2014; Hamilton et al., 2016). Frameshift variant predicted to result in protein truncation or nonsense mediated decay in a gene for which loss-of-function is a known mechanism of disease. Not observed in large population cohorts (Lek et al., 2016). We interpret c.104_107delCTCT as a pathogenic variant.

Baylor Genetics
Classification: Pathogenic for Rubinstein-Taybi syndrome due to EP300 haploinsufficiency. Last evaluated: 2017-12-31. Review status: criteria provided, single submitter. Criteria: ACMG Guidelines, 2015. Collection method: clinical testing. Allele origin: germline. Affected: yes.

Centre de Biologie Pathologie Génétique, Centre Hospitalier Universitaire de Lille
Classification: Likely pathogenic for Neurodevelopmental delay. Review status: criteria provided, single submitter. Criteria: ACMG Guidelines, 2015. Collection method: clinical testing. Allele origin: de novo. Affected: yes.

Wessex Regional Genetics Laboratory, Salisbury District Hospital
Classification: Pathogenic for Rubinstein-Taybi syndrome due to EP300 haploinsufficiency. Last evaluated: 2019-11-05. Review status: no assertion criteria provided. Criteria: ACMG Guidelines, 2015. Collection method: clinical testing. Allele origin: de novo. Inheritance: Autosomal dominant inheritance. Affected: yes. Not counted in ClinVar's aggregate classification.

OMIM
Classification: Pathogenic for RUBINSTEIN-TAYBI SYNDROME 2. Last evaluated: 2014-01-01. Review status: no assertion criteria provided. Collection method: literature only. Allele origin: germline. Not counted in ClinVar's aggregate classification.

Literature cited by the submitters: PubMed 15706485 (cited by Dasa and Labcorp Genetics (formerly Invitae), Labcorp); PubMed 19353645 (cited by Dasa); PubMed 24476420 (cited by Labcorp Genetics (formerly Invitae), Labcorp); PubMed 27648933 (cited by Labcorp Genetics (formerly Invitae), Labcorp and Baylor Genetics); PubMed 27465822 (cited by Labcorp Genetics (formerly Invitae), Labcorp); PubMed 24352918 (cited by Baylor Genetics and OMIM).

NM_001429.4(EP300):c.104_107del (p.Ser35fs)

Gene: EP300 (EP300 lysine acetyltransferase; plus strand). Cytogenetic location: 22q13.2.
Variant type: Microsatellite.
Coding change: c.104_107del on transcript NM_001429.4 (MANE Select); coding-DNA positions 104 to 107, 4 bases deleted (CTCT; older notation c.104_107delCTCT).
Protein change: p.Ser35fs; shifts the reading frame from serine 35.
Molecular consequence: frameshift variant.
Genome position (GRCh38, 1-based): chr22:41,117,196-41,117,199, CTCT deleted; deleting any 4 consecutive bases within chr22:41,117,194-41,117,199 gives the same sequence; the c. name uses the placement nearest the transcript's 3' end. VCF-style (leftmost placement, unchanged base first): chr22-41117193-GCTCT-G. GRCh37 (hg19) VCF-style: chr22-41513197-GCTCT-G.
Other names: c.104_107del, p.Ser35fs (NM_001362843.2); c.104_107delCTCT (NM_001429.3); short protein forms S35fs.
Identifiers: ClinVar variation 137620 (VCV000137620.23), dbSNP rs886037664, ClinGen allele CA10575640.
Genomic context (GRCh38, chr22:41,117,193, plus strand): 5'-TTTTTATTTTGGTTTTGTCATACTTTGACCTTTGTCTTTTCCCTTTGCTTTTAGATTTTG[GCTCT>G]CTATTTGACTTGGAGCACGACTTACCAGATGAATTAATCAACTCTACAGAATTGGGACTA-3'